The following is an entry in ClinVar:

NM_001349253.2(SCN11A):c.104A>G (p.Lys35Arg)

Gene: SCN11A (sodium voltage-gated channel alpha subunit 11; minus strand). Cytogenetic location: 3p22.2.
Variant type: single nucleotide variant.
Coding change: c.104A>G on transcript NM_001349253.2 (MANE Select); coding-DNA position 104, A replaced by G.
Protein change: p.Lys35Arg; replaces lysine 35 with arginine.
Molecular consequence: missense variant.
Genome position (GRCh38, 1-based): chr3:38,950,259, T>C on the plus strand (A>G on the coding strand, the complement: SCN11A is on the minus strand). VCF-style: chr3-38950259-T-C. GRCh37 (hg19) VCF-style: chr3-38991750-T-C.
Other names: c.104A>G, p.Lys35Arg (NM_014139.3); short protein forms K35R.
Identifiers: ClinVar variation 3438180 (VCV003438180.3).

ClinVar aggregate classification (germline): Conflicting classifications of pathogenicity. Review status: criteria provided, conflicting classifications (1 of 4 stars). 2 submissions from 2 submitters: Uncertain significance (1); Likely benign (1). Last evaluated 2024-08-10.

Conditions:
Familial episodic pain syndrome with predominantly lower limb involvement. Also called: Episodic pain syndrome, familial, 3. Identifiers: Orphanet 391384, Orphanet 391392, MedGen C3809899, MONDO:0014247, OMIM 615552.
Hereditary sensory and autonomic neuropathy type 7. Also called: Neuropathy, hereditary sensory and autonomic, type VII; HSAN VII. Identifiers: Orphanet 391397, MedGen C3809882, MONDO:0014244, OMIM 615548.
Inborn genetic diseases. Identifiers: MedGen C0950123, MeSH D030342.

gnomAD v4.1: 3 of 1,613,990 alleles (0.00019%); highest among the groups gnomAD compares: East Asian, 0.0067%; no homozygotes.

Submissions (2):

Ambry Genetics
Classification: Likely benign for Inborn genetic diseases. Last evaluated: 2024-08-10. Review status: criteria provided, single submitter. Criteria: Ambry Variant Classification Scheme 2023. Collection method: clinical testing. Allele origin: germline.

Labcorp Genetics (formerly Invitae), Labcorp
Classification: Uncertain significance for Familial episodic pain syndrome with predominantly lower limb involvement; Hereditary sensory and autonomic neuropathy type 7. Last evaluated: 2024-04-22. Review status: criteria provided, single submitter. Criteria: Invitae Variant Classification Sherloc (09022015). Collection method: clinical testing. Allele origin: germline.
Comment: This sequence change replaces lysine, which is basic and polar, with arginine, which is basic and polar, at codon 35 of the SCN11A protein (p.Lys35Arg). This variant is present in population databases (rs746994202, gnomAD 0.02%). This variant has not been reported in the literature in individuals affected with SCN11A-related conditions. Advanced modeling of protein sequence and biophysical properties (such as structural, functional, and spatial information, amino acid conservation, physicochemical variation, residue mobility, and thermodynamic stability) performed at Invitae indicates that this missense variant is not expected to disrupt SCN11A protein function with a negative predictive value of 80%. In summary, the available evidence is currently insufficient to determine the role of this variant in disease. Therefore, it has been classified as a Variant of Uncertain Significance.